The following is an entry in ClinVar:

ClinVar aggregate classification (germline): Pathogenic (1 of 4 stars; one submission).

Conditions:
Fanconi anemia (FA). Also called: Fanconi's anemia. Identifiers: Orphanet 84, MedGen C0015625, MeSH D005199, MONDO:0019391.

Submission:

Labcorp Genetics (formerly Invitae), Labcorp
Classification: Pathogenic for Fanconi anemia. Last evaluated: 2022-04-23. Review status: criteria provided, single submitter. Criteria: Invitae Variant Classification Sherloc (09022015). Collection method: clinical testing. Allele origin: germline.
Comment: For these reasons, this variant has been classified as Pathogenic. This variant has not been reported in the literature in individuals affected with FANCA-related conditions. This variant is not present in population databases (gnomAD no frequency). This sequence change creates a premature translational stop signal (p.Leu1059Aspfs*56) in the FANCA gene. It is expected to result in an absent or disrupted protein product. Loss-of-function variants in FANCA are known to be pathogenic (PMID: 19367192).

Literature cited by the submitters: PubMed 19367192.

NM_000135.4(FANCA):c.3175_3176del (p.Leu1059fs)

Gene: FANCA (FA complementation group A; minus strand). Cytogenetic location: 16q24.3.
Variant type: Microsatellite.
Coding change: c.3175_3176del on transcript NM_000135.4 (MANE Select); coding-DNA positions 3175 to 3176, 2 bases deleted (CT; older notation c.3175_3176delCT).
Protein change: p.Leu1059fs; shifts the reading frame from leucine 1059.
Molecular consequence: frameshift variant.
Genome position (GRCh38, 1-based): chr16:89,749,793-89,749,794, AG deleted on the plus strand (CT on the coding strand, the reverse complement: FANCA is on the minus strand); deleting any 2 consecutive bases within chr16:89,749,793-89,749,796 gives the same sequence; the c. name uses the placement nearest the transcript's 3' end. VCF-style (leftmost placement, unchanged base first): chr16-89749792-CAG-C. GRCh37 (hg19) VCF-style: chr16-89816200-CAG-C.
Other names: c.3175_3176del, p.Leu1059fs (NM_001286167.3); short protein forms L1059fs.
Identifiers: ClinVar variation 1971619 (VCV001971619.5), dbSNP rs2544129902, ClinGen allele CA2580613936.